The following is an entry in ClinVar:

NM_021628.3(ALOXE3):c.650C>T (p.Thr217Met)

Gene: ALOXE3 (arachidonate epidermal lipoxygenase 3; minus strand). Cytogenetic location: 17p13.1.
Variant type: single nucleotide variant.
Coding change: c.650C>T on transcript NM_021628.3 (MANE Select); coding-DNA position 650, C replaced by T.
Protein change: p.Thr217Met; replaces threonine 217 with methionine.
Molecular consequence: missense variant.
Genome position (GRCh38, 1-based): chr17:8,114,514, G>A on the plus strand (C>T on the coding strand, the complement: ALOXE3 is on the minus strand). VCF-style: chr17-8114514-G-A. GRCh37 (hg19) VCF-style: chr17-8017832-G-A.
Other names: c.1046C>T, p.Thr349Met (NM_001165960.1); c.647C>T, p.Thr216Met (NM_001369446.1); short protein forms T217M, T349M, T216M.
Identifiers: ClinVar variation 325975 (VCV000325975.8), dbSNP rs200646727, ClinGen allele CA8368351.

ClinVar aggregate classification (germline): Uncertain significance. Review status: criteria provided, multiple submitters, no conflicts (2 of 4 stars). 2 submissions from 2 submitters: Uncertain significance (2). Last evaluated 2022-05-05.

Conditions:
Autosomal recessive congenital ichthyosis 3 (ARCI3). Also called: ICHTHYOSIS, LAMELLAR, 5. Identifiers: MedGen C3539888, MONDO:0011680, OMIM 606545.

Allele frequency attached by ClinVar (database versions not stated): ESP Exome Variant Server 0.00008; gnomAD exomes 0.00010 and 0.00014; ExAC 0.00012; 1000 Genomes Project 30x 0.00016; TOPMed 0.00018; 1000 Genomes Project 0.00020; gnomAD 0.00023 and 0.00024.

Submissions (2):

Labcorp Genetics (formerly Invitae), Labcorp
Classification: Uncertain significance. Last evaluated: 2022-05-05. Review status: criteria provided, single submitter. Criteria: Invitae Variant Classification Sherloc (09022015). Collection method: clinical testing. Allele origin: germline.
Comment: This sequence change replaces threonine, which is neutral and polar, with methionine, which is neutral and non-polar, at codon 217 of the ALOXE3 protein (p.Thr217Met). In summary, the available evidence is currently insufficient to determine the role of this variant in disease. Therefore, it has been classified as a Variant of Uncertain Significance. Advanced modeling of protein sequence and biophysical properties (such as structural, functional, and spatial information, amino acid conservation, physicochemical variation, residue mobility, and thermodynamic stability) performed at Invitae indicates that this missense variant is not expected to disrupt ALOXE3 protein function. ClinVar contains an entry for this variant (Variation ID: 325975). This variant has not been reported in the literature in individuals affected with ALOXE3-related conditions. This variant is present in population databases (rs200646727, gnomAD 0.04%).

Illumina Laboratory Services, Illumina
Classification: Uncertain significance for Autosomal recessive congenital ichthyosis 3. Last evaluated: 2018-01-12. Review status: criteria provided, single submitter. Criteria: ICSL Variant Classification Criteria 13 December 2019. Collection method: clinical testing. Allele origin: germline.